The following is an entry in ClinVar:

ClinVar aggregate classification (germline): Benign. Review status: criteria provided, multiple submitters, no conflicts (2 of 4 stars). 4 submissions from 4 submitters: Benign (3). 1 of the submissions does not count toward it. Last evaluated 2026-01-27.

Conditions:
Treacher Collins syndrome 1 (TCS1). Also called: TCOF1-Related Treacher Collins Syndrome. Identifiers: Orphanet 861, MedGen CN315775, MONDO:0007944, OMIM 154500.

Allele frequency attached by ClinVar (database versions not stated): gnomAD exomes 0.00325 and 0.00685; ExAC 0.00875; gnomAD 0.02107 and 0.02268; ESP Exome Variant Server 0.02245; 1000 Genomes Project 0.02276; TOPMed 0.02345; 1000 Genomes Project 30x 0.02389.
gnomAD v4.1: 8,115 of 1,614,150 alleles (0.5%); highest among the groups gnomAD compares: African/African-American, 7%; 208 homozygotes.

Submissions (4):

Labcorp Genetics (formerly Invitae), Labcorp
Classification: Benign for Treacher Collins syndrome 1. Last evaluated: 2026-01-27. Review status: criteria provided, single submitter. Criteria: Invitae Variant Classification Sherloc (09022015). Collection method: clinical testing. Allele origin: germline.

GeneDx
Classification: Benign. Last evaluated: 2016-01-25. Review status: criteria provided, single submitter. Criteria: GeneDx Variant Classification (06012015). Collection method: clinical testing. Allele origin: germline. Affected: yes.
Comment: This variant is considered likely benign or benign based on one or more of the following criteria: it is a conservative change, it occurs at a poorly conserved position in the protein, it is predicted to be benign by multiple in silico algorithms, and/or has population frequency not consistent with disease.

PreventionGenetics, part of Exact Sciences
Classification: Benign. Review status: criteria provided, single submitter. Criteria: ACMG Guidelines, 2015. Collection method: clinical testing. Allele origin: germline.

Genetic Services Laboratory, University of Chicago
Classification: Likely benign for AllHighlyPenetrant. Review status: no assertion criteria provided. Collection method: clinical testing. Allele origin: germline. Inheritance: Autosomal dominant inheritance. Not counted in ClinVar's aggregate classification.
Comment: Likely benign based on allele frequency in 1000 Genomes Project or ESP global frequency and its presence in a patient with a rare or unrelated disease phenotype. NOT Sanger confirmed.

NM_001371623.1(TCOF1):c.2765C>T (p.Ser922Leu)

Gene: TCOF1 (treacle ribosome biogenesis factor 1; plus strand). Cytogenetic location: 5q32.
Variant type: single nucleotide variant.
Coding change: c.2765C>T on transcript NM_001371623.1 (MANE Select); coding-DNA position 2765, C replaced by T.
Protein change: p.Ser922Leu; replaces serine 922 with leucine.
Molecular consequence: missense variant.
Genome position (GRCh38, 1-based): chr5:150,379,638, C>T. VCF-style: chr5-150379638-C-T. GRCh37 (hg19) VCF-style: chr5-149759201-C-T.
Other names: c.2534C>T, p.Ser845Leu (NM_000356.4, NM_001135245.2); c.2765C>T, p.Ser922Leu (NM_001008657.3, NM_001135243.2, NM_001135244.2 and 1 more transcripts); short protein forms S845L, S922L.
Identifiers: ClinVar variation 130570 (VCV000130570.16), dbSNP rs114689020, ClinGen allele CA155679.